The following is an entry in ClinVar:

NM_001040151.2(SCN3B):c.585-3del

Gene: SCN3B (sodium voltage-gated channel beta subunit 3; minus strand). Cytogenetic location: 11q24.1.
Variant type: Deletion.
Coding change: c.585-3del on transcript NM_001040151.2 (MANE Select); 3 bases into the intron before coding-DNA position 585, one base deleted (T; older notation c.585-3delT).
Molecular consequence: intron variant.
Genome position (GRCh38, 1-based): chr11:123,634,209, A deleted on the plus strand (T on the coding strand, the reverse complement: SCN3B is on the minus strand). VCF-style (leftmost placement, unchanged base first): chr11-123634208-TA-T. GRCh37 (hg19) VCF-style: chr11-123504916-TA-T.
Other names: c.585-3del (NM_018400.4).
Identifiers: ClinVar variation 4746568 (VCV004746568.1).

ClinVar aggregate classification (germline): Uncertain significance (1 of 4 stars; one submission).

Conditions:
Brugada syndrome 7 (BRGDA7). Identifiers: Orphanet 130, MedGen C2751088, MONDO:0013146, OMIM 613120.

Submission:

Labcorp Genetics (formerly Invitae), Labcorp
Classification: Uncertain significance for Brugada syndrome 7. Last evaluated: 2025-08-11. Review status: criteria provided, single submitter. Criteria: Invitae Variant Classification Sherloc (09022015). Collection method: clinical testing. Allele origin: germline.
Comment: This sequence change falls in intron 4 of the SCN3B gene. It does not directly change the encoded amino acid sequence of the SCN3B protein. It affects a nucleotide within the consensus splice site. This variant is present in population databases (rs762713932, gnomAD 0.006%). This variant has not been reported in the literature in individuals affected with SCN3B-related conditions. Variants that disrupt the consensus splice site are a relatively common cause of aberrant splicing (PMID: 17576681, 9536098). Algorithms developed to predict the effect of sequence changes on RNA splicing suggest that this variant may disrupt the consensus splice site. In summary, the available evidence is currently insufficient to determine the role of this variant in disease. Therefore, it has been classified as a Variant of Uncertain Significance.

Literature cited by the submitters: PubMed 17576681; PubMed 9536098.